The following is an entry in ClinVar:

ClinVar aggregate classification (germline): Pathogenic/Likely pathogenic. Review status: criteria provided, multiple submitters, no conflicts (2 of 4 stars). 4 submissions from 4 submitters: Pathogenic (1); Likely pathogenic (2). 1 of the submissions does not count toward it. Last evaluated 2025-10-02.

Conditions:
Hereditary cancer-predisposing syndrome. Also called: Tumor predisposition; Hereditary neoplastic syndrome; Hereditary Cancer Syndrome; Neoplastic Syndromes, Hereditary. Identifiers: Orphanet 140162, MedGen C0027672, MeSH D009386, MONDO:0015356.
Juvenile polyposis syndrome (JPS). Identifiers: Orphanet 2929, MedGen C0345893, MONDO:0017380, OMIM 174900.
Polyposis syndrome, hereditary mixed, 2. Identifiers: Orphanet 157794, MedGen C1864730, MONDO:0012405, OMIM 610069.

Submissions (4):

Ambry Genetics
Classification: Pathogenic for Hereditary cancer-predisposing syndrome. Last evaluated: 2025-10-02. Review status: criteria provided, single submitter. Criteria: Ambry Variant Classification Scheme 2023. Collection method: clinical testing. Allele origin: germline.
Comment: The p.C124R pathogenic mutation (also known as c.370T>C), located in coding exon 4 of the BMPR1A gene, results from a T to C substitution at nucleotide position 370. The cysteine at codon 124 is replaced by arginine, an amino acid with highly dissimilar properties. This alteration has been identified in individuals meeting diagnostic criteria for juvenile polyposis syndrome (Zhou XP et al. Am J Hum Genet. 2001 Oct;69(4):704-11; Ambry internal data) and co-segregated with disease in one family tested in our laboratory. This amino acid position is highly conserved on sequence alignment. The p.C124R variant results in the loss of the Cys residue and alters the folding of the BMPR1A extracellular domain (Ambry internal structural analysis). This variant was not reported in population-based cohorts in the Genome Aggregation Database (gnomAD). In addition, this alteration is predicted to be deleterious by in silico analysis. Based on the supporting evidence, this alteration is interpreted as a disease-causing mutation.

Baylor Genetics
Classification: Likely pathogenic for Polyposis syndrome, hereditary mixed, 2. Last evaluated: 2022-05-04. Review status: criteria provided, single submitter. Criteria: ACMG Guidelines, 2015. Collection method: clinical testing. Allele origin: unknown.

GeneDx
Classification: Likely pathogenic. Last evaluated: 2022-02-07. Review status: criteria provided, single submitter. Criteria: GeneDx Variant Classification Process June 2021. Collection method: clinical testing. Allele origin: germline. Affected: yes.
Comment: Identified in a patients with a personal or family history consistent with pathogenic variants in this gene referred for genetic testing at GeneDx and in published literature (Zhou 2001); Not observed at significant frequency in large population cohorts (gnomAD); In silico analysis supports that this missense variant has a deleterious effect on protein structure/function; This variant is associated with the following publications: (PMID: 12136244, 11536076, 12761718, 15235019, 26986070, 30884445, 29745898, 10881198, 22799562, 23433720)

OMIM
Classification: Pathogenic for JUVENILE POLYPOSIS SYNDROME. Last evaluated: 2001-10-01. Review status: no assertion criteria provided. Collection method: literature only. Allele origin: germline. Not counted in ClinVar's aggregate classification.

Literature cited by the submitters: PubMed 10881198 (cited by Ambry Genetics); PubMed 11536076 (cited by Ambry Genetics and OMIM).

NM_004329.3(BMPR1A):c.370T>C (p.Cys124Arg)

Gene: BMPR1A (bone morphogenetic protein receptor type 1A; plus strand). Cytogenetic location: 10q23.2.
Variant type: single nucleotide variant.
Coding change: c.370T>C on transcript NM_004329.3 (MANE Select); coding-DNA position 370, T replaced by C.
Protein change: p.Cys124Arg; replaces cysteine 124 with arginine.
Molecular consequence: missense variant.
Genome position (GRCh38, 1-based): chr10:86,899,830, T>C. VCF-style: chr10-86899830-T-C. GRCh37 (hg19) VCF-style: chr10-88659587-T-C.
Other names: short protein forms C124R.
Identifiers: ClinVar variation 8234 (VCV000008234.11), dbSNP rs199476087, ClinGen allele CA194624.
Genomic context (GRCh38, chr10:86,899,830, plus strand): 5'-ATTTTATCATTACTCTTCTTTTAGGATTCTCCAAAAGCCCAGCTACGCCGGACAATAGAA[T>C]GTTGTCGGACCAATTTATGTAACCAGTATTTGCAACCCACACTGCCCCCTGTTGTCATAG-3'
Protein context (NP_004320.2, residues 114-134): PKAQLRRTIE[Cys124Arg]CRTNLCNQYL